The following is an entry in ClinVar:

NM_012282.4(KCNE5):c.415G>C (p.Ala139Pro)

Gene: KCNE5 (potassium voltage-gated channel subfamily E regulatory subunit 5; minus strand). Cytogenetic location: Xq23.
Variant type: single nucleotide variant.
Coding change: c.415G>C on transcript NM_012282.4 (MANE Select); coding-DNA position 415, G replaced by C.
Protein change: p.Ala139Pro; replaces alanine 139 with proline.
Molecular consequence: missense variant.
Genome position (GRCh38, 1-based): chrX:109,624,606, C>G on the plus strand (G>C on the coding strand, the complement: KCNE5 is on the minus strand). VCF-style: chrX-109624606-C-G. GRCh37 (hg19) VCF-style: chrX-108867835-C-G.
Other names: short protein forms A139P.
Identifiers: ClinVar variation 4090246 (VCV004090246.1).

ClinVar aggregate classification (germline): Uncertain significance (1 of 4 stars; one submission).

Submission:

Ambry Genetics
Classification: Uncertain significance. Last evaluated: 2025-07-24. Review status: criteria provided, single submitter. Criteria: Ambry Variant Classification Scheme 2023. Collection method: clinical testing. Allele origin: germline.
Comment: The p.A139P variant (also known as c.415G>C), located in coding exon 1 of the KCNE5 gene, results from a G to C substitution at nucleotide position 415. The alanine at codon 139 is replaced by proline, an amino acid with highly similar properties. This amino acid position is conserved. In addition, this alteration is predicted to be tolerated by in silico analysis. Based on the available evidence, the clinical significance of this variant remains unclear.